The following is an entry in ClinVar:

ClinVar aggregate classification (germline): Likely pathogenic (1 of 4 stars; one submission).

Conditions:
Cardiomyopathy, familial hypertrophic 27. Identifiers: MedGen C4748014, MONDO:0054838, OMIM 618052.

Submission:

Victorian Clinical Genetics Services, Murdoch Childrens Research Institute
Classification: Likely pathogenic for Cardiomyopathy, familial hypertrophic 27. Last evaluated: 2023-07-17. Review status: criteria provided, single submitter. Criteria: ACMG Guidelines, 2015. Collection method: clinical testing. Allele origin: germline. Inheritance: Autosomal recessive inheritance. Affected: yes.
Comment: Based on the classification scheme VCGS_Germline_v1.3.4, this variant is classified as Likely pathogenic. Following criteria are met: 0102 - Loss of function is a known mechanism of disease in this gene and is associated with familial hypertrophic cardiomyopathy 27 (MIM#618052). (I) 0106 - This gene is associated with autosomal recessive disease. However, emerging evidence supports autosomal dominant inheritance in adults with age-dependent penetrance (PMIDs: 32480058, 34263907). (I) 0201 - Variant is predicted to cause nonsense-mediated decay (NMD) and loss of protein (premature termination codon is located at least 54 nucleotides upstream of the final exon-exon junction). (SP) 0251 - This variant is heterozygous. (I) 0301 - Variant is absent from gnomAD (both v2 and v3). (SP) 0701 - Other null variants comparable to the one identified in this case have very strong previous evidence for pathogenicity. There are multiple NMD-predicted variants that have been classified as likely pathogenic or pathogenic (DECIPHER). (SP) 0807 - This variant has no previous evidence of pathogenicity. (I) 0905 - No published segregation evidence has been identified for this variant. (I) 1007 - No published functional evidence has been identified for this variant. (I) 1208 - Inheritance information for this variant is not currently available in this individual. (I) Legend: (SP) - Supporting pathogenic, (I) - Information, (SB) - Supporting benign

Literature cited by the submitters: PubMed 32480058; PubMed 34263907.

NM_020778.5(ALPK3):c.76dup (p.Asp26fs)

Gene: ALPK3 (alpha kinase 3; plus strand). Cytogenetic location: 15q25.3.
Variant type: Duplication.
Coding change: c.76dup on transcript NM_020778.5 (MANE Select); coding-DNA position 76, one base duplicated (G; older notation c.76dupG).
Protein change: p.Asp26fs; shifts the reading frame from aspartic acid 26.
Molecular consequence: frameshift variant.
Genome position (GRCh38, 1-based): chr15:84,817,528, G duplicated. VCF-style (leftmost placement, unchanged base first): chr15-84817527-C-CG. GRCh37 (hg19) VCF-style: chr15-85360758-C-CG.
Other names: short protein forms D26fs.
Identifiers: ClinVar variation 3254689 (VCV003254689.1), dbSNP rs2505689293.